The following is an entry in ClinVar:

ClinVar aggregate classification (germline): Uncertain significance. Review status: criteria provided, multiple submitters, no conflicts (2 of 4 stars). 2 submissions from 2 submitters: Uncertain significance (2). Last evaluated 2024-01-05.

Conditions:
Cardiovascular phenotype. Identifiers: MedGen CN230736.
Long QT syndrome (LQTS). Identifiers: MedGen C0023976, MeSH D008133, MONDO:0002442. Disease mechanism: loss of function. Inheritance: Various modes of inheritance.

Submissions (2):

Ambry Genetics
Classification: Uncertain significance for Cardiovascular phenotype. Last evaluated: 2024-01-05. Review status: criteria provided, single submitter. Criteria: Ambry Variant Classification Scheme 2023. Collection method: clinical testing. Allele origin: germline.
Comment: The p.W15C variant (also known as c.45G>T), located in coding exon 1 of the KCNQ1 gene, results from a G to T substitution at nucleotide position 45. The tryptophan at codon 15 is replaced by cysteine, an amino acid with highly dissimilar properties. This amino acid position is not well conserved in available vertebrate species. In addition, the in silico prediction for this alteration is inconclusive. Since supporting evidence is limited at this time, the clinical significance of this alteration remains unclear.

Labcorp Genetics (formerly Invitae), Labcorp
Classification: Uncertain significance for Long QT syndrome. Last evaluated: 2021-04-17. Review status: criteria provided, single submitter. Criteria: Invitae Variant Classification Sherloc (09022015). Collection method: clinical testing. Allele origin: germline.
Comment: In summary, the available evidence is currently insufficient to determine the role of this variant in disease. Therefore, it has been classified as a Variant of Uncertain Significance. Algorithms developed to predict the effect of missense changes on protein structure and function (SIFT, PolyPhen-2, Align-GVGD) all suggest that this variant is likely to be tolerated, but these predictions have not been confirmed by published functional studies and their clinical significance is uncertain. This variant has not been reported in the literature in individuals with KCNQ1-related conditions. The frequency data for this variant in the population databases is considered unreliable, as metrics indicate insufficient coverage at this position in the ExAC database. This sequence change replaces tryptophan with cysteine at codon 15 of the KCNQ1 protein (p.Trp15Cys). The tryptophan residue is weakly conserved and there is a large physicochemical difference between tryptophan and cysteine.

NM_000218.3(KCNQ1):c.45G>T (p.Trp15Cys)

Gene: KCNQ1 (potassium voltage-gated channel subfamily Q member 1; plus strand). Cytogenetic location: 11p15.5.
Variant type: single nucleotide variant.
Coding change: c.45G>T on transcript NM_000218.3 (MANE Select); coding-DNA position 45, G replaced by T.
Protein change: p.Trp15Cys; replaces tryptophan 15 with cysteine.
Molecular consequence: missense variant.
Genome position (GRCh38, 1-based): chr11:2,445,143, G>T. VCF-style: chr11-2445143-G-T. GRCh37 (hg19) VCF-style: chr11-2466373-G-T.
Other names: c.45G>T (NM_000218.2); short protein forms W15C.
Identifiers: ClinVar variation 1346261 (VCV001346261.9), dbSNP rs2133559405, ClinGen allele CA379115869.